The following is an entry in ClinVar:

ClinVar aggregate classification (germline): Uncertain significance (1 of 4 stars; one submission).

Conditions:
Cardiovascular phenotype. Identifiers: MedGen CN230736.

Submission:

Ambry Genetics
Classification: Uncertain significance for Cardiovascular phenotype. Last evaluated: 2023-12-29. Review status: criteria provided, single submitter. Criteria: Ambry Variant Classification Scheme 2023. Collection method: clinical testing. Allele origin: germline.
Comment: The p.E32K variant (also known as c.94G>A), located in coding exon 1 of the EFEMP2 gene, results from a G to A substitution at nucleotide position 94. The glutamic acid at codon 32 is replaced by lysine, an amino acid with similar properties. This amino acid position is conserved. In addition, the in silico prediction for this alteration is inconclusive. Since supporting evidence is limited at this time, the clinical significance of this alteration remains unclear.

NM_016938.5(EFEMP2):c.94G>A (p.Glu32Lys)

Gene: EFEMP2 (EGF containing fibulin extracellular matrix protein 2; minus strand). Cytogenetic location: 11q13.1.
Variant type: single nucleotide variant.
Coding change: c.94G>A on transcript NM_016938.5 (MANE Select); coding-DNA position 94, G replaced by A.
Protein change: p.Glu32Lys; replaces glutamic acid 32 with lysine.
Molecular consequence: missense variant. On other transcripts: non-coding transcript variant (1).
Genome position (GRCh38, 1-based): chr11:65,872,261, C>T on the plus strand (G>A on the coding strand, the complement: EFEMP2 is on the minus strand). VCF-style: chr11-65872261-C-T. GRCh37 (hg19) VCF-style: chr11-65639732-C-T.
Other names: short protein forms E32K.
Identifiers: ClinVar variation 3226941 (VCV003226941.1), dbSNP rs1315301524, ClinGen allele CA381311221.